The following is an entry in ClinVar:

ClinVar aggregate classification (germline): Uncertain significance (1 of 4 stars; one submission).

Conditions:
Hereditary cancer-predisposing syndrome. Also called: Tumor predisposition; Neoplastic Syndromes, Hereditary; Hereditary Cancer Syndrome; Hereditary neoplastic syndrome. Identifiers: Orphanet 140162, MedGen C0027672, MeSH D009386, MONDO:0015356.

Submission:

Ambry Genetics
Classification: Uncertain significance for Hereditary cancer-predisposing syndrome. Last evaluated: 2024-12-26. Review status: criteria provided, single submitter. Criteria: Ambry Variant Classification Scheme 2023. Collection method: clinical testing. Allele origin: germline.
Comment: The p.A243T variant (also known as c.727G>A), located in coding exon 3 of the PHOX2B gene, results from a G to A substitution at nucleotide position 727. The alanine at codon 243 is replaced by threonine, an amino acid with similar properties. This amino acid position is conserved. In addition, this alteration is predicted to be tolerated by in silico analysis. Based on the available evidence, the clinical significance of this variant remains unclear.

NM_003924.4(PHOX2B):c.727G>A (p.Ala243Thr)

Genes: PHOX2B (paired like homeobox 2B; minus strand), LOC110011216 (paired like homeobox 2b polyalanine repeat instability region; plus strand). Cytogenetic location: 4p13.
Variant type: single nucleotide variant.
Coding change: c.727G>A on transcript NM_003924.4 (MANE Select); coding-DNA position 727, G replaced by A.
Protein change: p.Ala243Thr; replaces alanine 243 with threonine.
Molecular consequence: missense variant.
Genome position (GRCh38, 1-based): chr4:41,746,025, C>T on the plus strand (G>A on the coding strand, the complement: PHOX2B is on the minus strand). VCF-style: chr4-41746025-C-T. GRCh37 (hg19) VCF-style: chr4-41748042-C-T.
Other names: short protein forms A243T.
Identifiers: ClinVar variation 3888477 (VCV003888477.1).